The following is an entry in ClinVar:

NM_003898.4(SYNJ2):c.2745C>T (p.Leu915=)

Gene: SYNJ2 (synaptojanin 2; plus strand). Cytogenetic location: 6q25.3.
Variant type: single nucleotide variant.
Coding change: c.2745C>T on transcript NM_003898.4 (MANE Select); coding-DNA position 2745, C replaced by T.
Protein change: p.Leu915=; no amino-acid change (leucine 915 retained).
Molecular consequence: synonymous variant.
Genome position (GRCh38, 1-based): chr6:158,081,286, C>T. VCF-style: chr6-158081286-C-T. GRCh37 (hg19) VCF-style: chr6-158502318-C-T.
Other names: c.2034C>T, p.Leu678= (NM_001178088.2); c.2745C>T, p.Leu915= (NM_001410947.1).
Identifiers: ClinVar variation 2657079 (VCV002657079.24), dbSNP rs369503288, ClinGen allele CA4070347.

ClinVar aggregate classification (germline): Likely benign (1 of 4 stars; one submission).

Allele frequency attached by ClinVar (database versions not stated): ExAC 0.00002; gnomAD 0.00005; gnomAD exomes 0.00007; TOPMed 0.00007; ESP Exome Variant Server 0.00008.
gnomAD v4.1: 122 of 1,614,058 alleles (0.0076%); highest among the groups gnomAD compares: Non-Finnish European, 0.0089%; no homozygotes.

Submission:

CeGaT Center for Human Genetics Tuebingen
Classification: Likely benign. Last evaluated: 2023-03-01. Review status: criteria provided, single submitter. Criteria: CeGaT Center For Human Genetics Tuebingen Variant Classification Criteria Version 2. Collection method: clinical testing. Allele origin: germline. Affected: yes. Observed: 1 variant allele.
Comment: SYNJ2: BP4, BP7